The following is an entry in ClinVar:

ClinVar aggregate classification (germline): Uncertain significance. Review status: criteria provided, multiple submitters, no conflicts (2 of 4 stars). 2 submissions from 2 submitters: Uncertain significance (2). Last evaluated 2025-12-24.

Conditions:
CLRN2-related disorder. Also called: CLRN2-related condition.

Allele frequency attached by ClinVar (database versions not stated): ExAC 0.00003; gnomAD 0.00003; TOPMed 0.00004; gnomAD exomes 0.00006; ESP Exome Variant Server 0.00008.

Submissions (2):

PreventionGenetics, part of Exact Sciences
Classification: Uncertain significance for CLRN2-related condition. Last evaluated: 2025-12-24. Review status: criteria provided, single submitter. Criteria: ACMG Guidelines, 2015. Collection method: clinical testing. Allele origin: germline.
Comment: The CLRN2 c.430G>A variant is predicted to result in the amino acid substitution p.Ala144Thr. To our knowledge, this variant has not been reported in the literature. This variant is reported in 0.0062% of alleles in individuals of European (Non-Finnish) descent in gnomAD. At this time, the clinical significance of this variant is uncertain due to the absence of conclusive functional and genetic evidence.

Ambry Genetics
Classification: Uncertain significance. Last evaluated: 2025-03-04. Review status: criteria provided, single submitter. Criteria: Ambry Variant Classification Scheme 2023. Collection method: clinical testing. Allele origin: germline.

NM_001079827.2(CLRN2):c.430G>A (p.Ala144Thr)

Gene: CLRN2 (clarin 2; plus strand). Cytogenetic location: 4p15.32.
Variant type: single nucleotide variant.
Coding change: c.430G>A on transcript NM_001079827.2 (MANE Select); coding-DNA position 430, G replaced by A.
Protein change: p.Ala144Thr; replaces alanine 144 with threonine.
Molecular consequence: missense variant.
Genome position (GRCh38, 1-based): chr4:17,523,040, G>A. VCF-style: chr4-17523040-G-A. GRCh37 (hg19) VCF-style: chr4-17524663-G-A.
Other names: short protein forms A144T.
Identifiers: ClinVar variation 2456014 (VCV002456014.4), dbSNP rs369973835, ClinGen allele CA2868421.
Genomic context (GRCh38, chr4:17,523,040, plus strand): 5'-ATCCAGGTCCCGTACCGGGCAGTCAGCGGTCCTGGGGGCATCTGCCTATGGAATGTCCTG[G>A]CAGGTAAGAAGTCCCTTAGGGAGAGAAAATTATGTCCACACCATCATAGGGCTGGGCTCC-3'
Protein context (NP_001073296.1, residues 134-154): PGGICLWNVL[Ala144Thr]GGVVALAIAS